The following is an entry in ClinVar:

NM_173354.5(SIK1):c.140G>T (p.Arg47Leu)

Gene: SIK1 (salt inducible kinase 1; minus strand). Cytogenetic location: 21q22.3.
Variant type: single nucleotide variant.
Coding change: c.140G>T on transcript NM_173354.5 (MANE Select); coding-DNA position 140, G replaced by T.
Protein change: p.Arg47Leu; replaces arginine 47 with leucine.
Molecular consequence: missense variant.
Genome position (GRCh38, 1-based): chr21:43,426,039, C>A on the plus strand (G>T on the coding strand, the complement: SIK1 is on the minus strand). VCF-style: chr21-43426039-C-A. GRCh37 (hg19) VCF-style: chr21-44845919-C-A.
Other names: short protein forms R47L.
Identifiers: ClinVar variation 1025888 (VCV001025888.9), dbSNP rs2081065975, ClinGen allele CA410610927.

ClinVar aggregate classification (germline): Uncertain significance (1 of 4 stars; one submission).

Conditions:
Developmental and epileptic encephalopathy, 30 (DEE30). Also called: Epileptic encephalopathy, early infantile, 30. Identifiers: MedGen C4225360, MONDO:0014595, OMIM 616341.

Submission:

Labcorp Genetics (formerly Invitae), Labcorp
Classification: Uncertain significance for Developmental and epileptic encephalopathy, 30. Last evaluated: 2020-10-05. Review status: criteria provided, single submitter. Criteria: Invitae Variant Classification Sherloc (09022015). Collection method: clinical testing. Allele origin: germline.
Comment: In summary, the available evidence is currently insufficient to determine the role of this variant in disease. Therefore, it has been classified as a Variant of Uncertain Significance. Advanced modeling of protein sequence and biophysical properties (such as structural, functional, and spatial information, amino acid conservation, physicochemical variation, residue mobility, and thermodynamic stability) performed at Invitae indicates that this missense variant is not expected to disrupt SIK1 protein function. This variant has not been reported in the literature in individuals with SIK1-related conditions. This variant is not present in population databases (ExAC no frequency). This sequence change replaces arginine with leucine at codon 47 of the SIK1 protein (p.Arg47Leu). The arginine residue is moderately conserved and there is a moderate physicochemical difference between arginine and leucine.